The following is an entry in ClinVar:

NM_001367624.2(ZNF469):c.5800C>T (p.Arg1934Ter)

Gene: ZNF469 (zinc finger protein 469; plus strand). Cytogenetic location: 16q24.2.
Variant type: single nucleotide variant.
Coding change: c.5800C>T on transcript NM_001367624.2 (MANE Select); coding-DNA position 5800, C replaced by T.
Protein change: p.Arg1934Ter; replaces arginine 1934 with a stop codon.
Molecular consequence: nonsense.
Genome position (GRCh38, 1-based): chr16:88,433,270, C>T. VCF-style: chr16-88433270-C-T. GRCh37 (hg19) VCF-style: chr16-88499678-C-T.
Other names: short protein forms R1934*.
Identifiers: ClinVar variation 2780363 (VCV002780363.3), dbSNP rs1248028929, ClinGen allele CA397102462.

ClinVar aggregate classification (germline): Pathogenic (1 of 4 stars; one submission).

Allele frequency attached by ClinVar (database versions not stated): gnomAD exomes below 0.00001.
gnomAD v4.1: 2 of 1,550,350 alleles (0.00013%); highest among the groups gnomAD compares: Non-Finnish European, 0.00017%; no homozygotes.

Submission:

Labcorp Genetics (formerly Invitae), Labcorp
Classification: Pathogenic. Last evaluated: 2024-08-31. Review status: criteria provided, single submitter. Criteria: Invitae Variant Classification Sherloc (09022015). Collection method: clinical testing. Allele origin: germline.
Comment: This sequence change creates a premature translational stop signal (p.Arg1906*) in the ZNF469 gene. While this is not anticipated to result in nonsense mediated decay, it is expected to disrupt the last 2020 amino acid(s) of the ZNF469 protein. This variant is not present in population databases (gnomAD no frequency). This premature translational stop signal has been observed in individual(s) with brittle cornea syndrome (PMID: 34522702). In at least one individual the data is consistent with being in trans (on the opposite chromosome) from a pathogenic variant. It has also been observed to segregate with disease in related individuals. This variant disrupts a region of the ZNF469 protein in which other variant(s) (p.Pro3556Glnfs*136) have been determined to be pathogenic (PMID: 32671420). This suggests that this is a clinically significant region of the protein, and that variants that disrupt it are likely to be disease-causing. For these reasons, this variant has been classified as Pathogenic.

Literature cited by the submitters: PubMed 34522702; PubMed 32671420.